The following is an entry in ClinVar:

NM_014305.4(TGDS):c.103G>A (p.Val35Ile)

Gene: TGDS (TDP-glucose 4,6-dehydratase; minus strand). Cytogenetic location: 13q32.1.
Variant type: single nucleotide variant.
Coding change: c.103G>A on transcript NM_014305.4 (MANE Select); coding-DNA position 103, G replaced by A.
Protein change: p.Val35Ile; replaces valine 35 with isoleucine.
Molecular consequence: missense variant. On other transcripts: non-coding transcript variant (2).
Genome position (GRCh38, 1-based): chr13:94,593,891, C>T on the plus strand (G>A on the coding strand, the complement: TGDS is on the minus strand). VCF-style: chr13-94593891-C-T. GRCh37 (hg19) VCF-style: chr13-95246145-C-T.
Other names: c.7G>A, p.Val3Ile (NM_001304430.2); c.103G>A (NM_014305.2, NM_014305.3); short protein forms V35I, V3I.
Identifiers: ClinVar variation 3065336 (VCV003065336.4), dbSNP rs1250187037, ClinGen allele CA388398077.

ClinVar aggregate classification (germline): Uncertain significance. Review status: criteria provided, multiple submitters, no conflicts (2 of 4 stars). 4 submissions from 4 submitters: Uncertain significance (4). Last evaluated 2025-06-24.

Conditions:
Catel-Manzke syndrome. Also called: HYPERPHALANGY-CLINODACTYLY OF INDEX FINGER WITH PIERRE ROBIN SYNDROME; INDEX FINGER ANOMALY WITH PIERRE ROBIN SYNDROME; PIERRE ROBIN SYNDROME WITH HYPERPHALANGY AND CLINODACTYLY; MICROGNATHIA DIGITAL SYNDROME. Identifiers: Orphanet 1388, MedGen C1844887, MONDO:0014507, OMIM 616145.
Inborn genetic diseases. Identifiers: MedGen C0950123, MeSH D030342.

Allele frequency attached by ClinVar (database versions not stated): gnomAD exomes below 0.00001.
gnomAD v4.1: 6 of 1,580,604 alleles (0.00038%); highest among the groups gnomAD compares: Middle Eastern, 0.033%; no homozygotes.

Submissions (4):

Ambry Genetics
Classification: Uncertain significance for Inborn genetic diseases. Last evaluated: 2025-06-24. Review status: criteria provided, single submitter. Criteria: Ambry Variant Classification Scheme 2023. Collection method: clinical testing. Allele origin: germline.

GeneDx
Classification: Uncertain significance. Last evaluated: 2025-06-14. Review status: criteria provided, single submitter. Criteria: GeneDx Variant Classification Process June 2021. Collection method: clinical testing. Allele origin: germline. Affected: yes.
Comment: Not observed at significant frequency in large population cohorts (gnomAD); In silico analysis suggests that this missense variant does not alter protein structure/function; Has not been previously published as pathogenic or benign to our knowledge

Genomic Medicine Center of Excellence, King Faisal Specialist Hospital and Research Centre
Classification: Uncertain significance for Catel-Manzke syndrome. Last evaluated: 2024-03-26. Review status: criteria provided, single submitter. Criteria: ACMG Guidelines, 2015. Collection method: clinical testing. Allele origin: germline.

Blueprint Genetics
Classification: Uncertain significance. Last evaluated: 2021-11-04. Review status: criteria provided, single submitter. Criteria: ACMG Guidelines, 2015. Collection method: clinical testing. Allele origin: germline.